The following is an entry in ClinVar:

ClinVar aggregate classification (germline): Likely benign. Review status: criteria provided, single submitter (1 of 4 stars). 2 submissions from 2 submitters: Likely benign (1). 1 of the submissions does not count toward it. Last evaluated 2022-11-01.

Conditions:
ARFGEF2-related disorder. Also called: ARFGEF2-related condition.

Allele frequency attached by ClinVar (database versions not stated): ExAC 0.00001; gnomAD exomes 0.00001; gnomAD 0.00002; TOPMed 0.00003.
gnomAD v4.1: 16 of 1,613,782 alleles (0.00099%); highest among the groups gnomAD compares: Middle Eastern, 0.033%; no homozygotes.

Submissions (2):

CeGaT Center for Human Genetics Tuebingen
Classification: Likely benign. Last evaluated: 2022-11-01. Review status: criteria provided, single submitter. Criteria: CeGaT Center For Human Genetics Tuebingen Variant Classification Criteria Version 2. Collection method: clinical testing. Allele origin: germline. Affected: yes. Observed: 1 variant allele.
Comment: ARFGEF2: BP4, BP7

PreventionGenetics, part of Exact Sciences
Classification: Likely benign for ARFGEF2-related condition. Last evaluated: 2021-10-29. Review status: no assertion criteria provided. Collection method: clinical testing. Allele origin: germline. Not counted in ClinVar's aggregate classification.
Comment: This variant is classified as likely benign based on ACMG/AMP sequence variant interpretation guidelines (Richards et al. 2015 PMID: 25741868, with internal and published modifications).

NM_006420.3(ARFGEF2):c.849C>T (p.Asp283=)

Gene: ARFGEF2 (ARF guanine nucleotide exchange factor 2; plus strand). Cytogenetic location: 20q13.13.
Variant type: single nucleotide variant.
Coding change: c.849C>T on transcript NM_006420.3 (MANE Select); coding-DNA position 849, C replaced by T.
Protein change: p.Asp283=; no amino-acid change (aspartic acid 283 retained).
Molecular consequence: synonymous variant.
Genome position (GRCh38, 1-based): chr20:48,963,840, C>T. VCF-style: chr20-48963840-C-T. GRCh37 (hg19) VCF-style: chr20-47580377-C-T.
Other names: c.849C>T (NM_006420.2); c.849C>T, p.Asp283= (NM_001410846.1).
Identifiers: ClinVar variation 2652381 (VCV002652381.25), dbSNP rs749624687, ClinGen allele CA9898262.